The following is an entry in ClinVar:

NM_000545.8(HNF1A):c.130del (p.Leu44fs)

Gene: HNF1A (HNF1 homeobox A; plus strand). Cytogenetic location: 12q24.31.
Variant type: Deletion.
Coding change: c.130del on transcript NM_000545.8 (MANE Select); coding-DNA position 130, one base deleted (C; older notation c.130delC).
Protein change: p.Leu44fs; shifts the reading frame from leucine 44.
Molecular consequence: frameshift variant.
Genome position (GRCh38, 1-based): chr12:120,978,898, C deleted; the last of 5 consecutive C bases (chr12:120,978,894-120,978,898); deleting any one gives the same sequence. VCF-style (leftmost placement, unchanged base first): chr12-120978893-GC-G. GRCh37 (hg19) VCF-style: chr12-121416696-GC-G.
Other names: NM_000545.8(HNF1A):c.130del; p.Leu44fs; c.130del, p.Leu44fs (NM_001306179.2); short protein forms L44fs.
Identifiers: ClinVar variation 36798 (VCV000036798.8), dbSNP rs193922578, ClinGen allele CA214261.

ClinVar aggregate classification (germline): Pathogenic. Review status: reviewed by expert panel (3 of 4 stars). 4 submissions from 4 submitters: Pathogenic (1). 3 of the submissions do not count toward it. Last evaluated 2022-04-02.

Conditions:
Monogenic diabetes. Identifiers: Orphanet 183625, MedGen C3888631, MONDO:0015967.
Maturity-onset diabetes of the young (MODY). Also called: Maturity onset diabetes mellitus in young. Identifiers: Orphanet 552, MedGen C0342276, MONDO:0018911, HP:0004904.
Maturity-onset diabetes of the young type 3. Also called: MODY type 3; MODY, type III. Identifiers: Orphanet 552, MedGen C1838100, MeSH C563933, MONDO:0010894, OMIM 600496. Disease mechanism: loss of function.

Submissions (4):

ClinGen Monogenic Diabetes Variant Curation Expert Panel
Classification: Pathogenic for Monogenic diabetes. Last evaluated: 2022-04-02. Review status: reviewed by expert panel. Criteria: ClinGen Diabetes ACMG Specifications v1 1. Collection method: curation. Allele origin: germline. Inheritance: Autosomal dominant inheritance.
Comment: The c.130delC variant in the HNF1 homeobox A gene, HNF1A, causes a frameshift in the protein at codon 44 (NM_000545.8), adding 111 novel amino acids before encountering a stop codon (p.(Leu44TrpfsTer111)). This variant, located in biologically-relevant exon 1 of 10, is predicted to lead to nonsense mediated decay in a gene in which loss-of-function is an established disease mechanism (PVS1; PMID: 23348805) and is absent from gnomAD v2.1.1 (PM2_Supporting). Additionally, this variant was identified in an individual with a clinical history highly specific for HNF1A-MODY (MODY probability calculator result >50%, negative genetic testing for HNF4A) (PP4; PMID: 15305805). This variant segregated with diabetes, with at least five informative meioses in two families with MODY (PP1_Strong; PMIDs: 15305805 and 12453976). This variant was Identified in two unrelated individuals with non-autoimmune and non-absolute/near-absolute insulin-deficient diabetes; however, PS4_Moderate cannot be applied because this number is below the ClinGen MDEP threshold (PMIDs: 15305805 and 12453976). In summary, c.130delC meets the criteria to be classified as pathogenic for monogenic diabetes. ACMG/AMP criteria applied, as specified by the ClinGen MDEP (specification version 1.1, approved 9/30/21): PVS1, PM2_Supporting, PP1_Strong, PP4.

Ambry Genetics
Classification: Pathogenic for Maturity-onset diabetes of the young. Last evaluated: 2019-02-23. Review status: criteria provided, single submitter. Criteria: Ambry Variant Classification Scheme 2023. Collection method: clinical testing. Allele origin: germline. Not counted in ClinVar's aggregate classification.
Comment: The c.130delC pathogenic mutation, located in coding exon 1 of the HNF1A gene, results from a deletion of one nucleotide at nucleotide position 130, causing a translational frameshift with a predicted alternate stop codon (p.L44Wfs*111). This mutation was identified in multiple individuals from two maturity-onset diabetes of the young families (Klupa T et al. Diabetes Care, 2002 Dec;25:2292-301; McKinney JL et al. Clin Invest Med, 2004 Jun;27:135-41). In addition to the clinical data presented in the literature, this alteration is expected to result in loss of function by premature protein truncation or nonsense-mediated mRNA decay. As such, this alteration is interpreted as a disease-causing mutation.

Women's Health and Genetics/Laboratory Corporation of America, LabCorp
Classification: Pathogenic for MODY3. Last evaluated: 2011-08-18. Review status: criteria provided, single submitter. Criteria: LabCorp Variant Classification Summary - May 2015. Collection method: curation, clinical testing. Allele origin: germline. Inheritance: autosomal dominant. Affected: yes. Observed: 7 variant alleles. Not counted in ClinVar's aggregate classification.
ClinVar note: Converted during submission from pathogenic to Pathogenic.

Clinical Genomics, Uppaluri K&H Personalized Medicine Clinic
Classification: Likely pathogenic for Maturity-onset diabetes of the young. Review status: criteria provided, single submitter. Criteria: K & H Uppaluri Personalized Medicine Clinic Variant Classification & Assertion Criteria_Updated V.1. Collection method: research. Allele origin: unknown. Inheritance: Autosomal dominant inheritance. Not counted in ClinVar's aggregate classification.
Comment: Mutations in HNF1A gene can predispose to MODY3. It is associated with both micro and macrovascular complications of diabetes, especially cardiovascular complications. Associated with glucosuria. May respond well to sulfonylureas. However, more evidence is required to confer the association of this particular variant rs193922578 with MODY3.

Literature cited by the submitters: PubMed 12453976 (cited by Ambry Genetics and Women's Health and Genetics/Laboratory Corporation of America, LabCorp); PubMed 15305805 (cited by Ambry Genetics and Women's Health and Genetics/Laboratory Corporation of America, LabCorp); PubMed 31517624 (cited by Clinical Genomics, Uppaluri K&H Personalized Medicine Clinic); PubMed 32395877 (cited by Clinical Genomics, Uppaluri K&H Personalized Medicine Clinic); PubMed 35328643 (cited by Clinical Genomics, Uppaluri K&H Personalized Medicine Clinic); PubMed 35673428 (cited by Clinical Genomics, Uppaluri K&H Personalized Medicine Clinic).